The following is an entry in ClinVar:

ClinVar aggregate classification (germline): Uncertain significance (1 of 4 stars; one submission).

Conditions:
Costello syndrome (CSTLO). Also called: HRAS-Related Costello Syndrome; FACIOCUTANEOSKELETAL SYNDROME; FCS SYNDROME. Identifiers: Orphanet 3071, MedGen C0587248, MONDO:0009026, OMIM 218040.

Allele frequency attached by ClinVar (database versions not stated): gnomAD exomes below 0.00001.
gnomAD v4.1: 1 of 1,612,628 alleles (0.000062%); highest among the groups gnomAD compares: Non-Finnish European, 0.000085%; no homozygotes.

Submission:

Labcorp Genetics (formerly Invitae), Labcorp
Classification: Uncertain significance for Costello syndrome. Last evaluated: 2022-10-24. Review status: criteria provided, single submitter. Criteria: Invitae Variant Classification Sherloc (09022015). Collection method: clinical testing. Allele origin: germline.
Comment: This variant has not been reported in the literature in individuals affected with HRAS-related conditions. This sequence change replaces glycine, which is neutral and non-polar, with arginine, which is basic and polar, at codon 151 of the HRAS protein (p.Gly151Arg). This variant is not present in population databases (gnomAD no frequency). Algorithms developed to predict the effect of missense changes on protein structure and function (SIFT, PolyPhen-2, Align-GVGD) all suggest that this variant is likely to be disruptive. In summary, the available evidence is currently insufficient to determine the role of this variant in disease. Therefore, it has been classified as a Variant of Uncertain Significance.

NM_005343.4(HRAS):c.451G>A (p.Gly151Arg)

Genes: HRAS (HRas proto-oncogene, GTPase; minus strand), LRRC56 (leucine rich repeat containing 56; plus strand). Cytogenetic location: 11p15.5.
Variant type: single nucleotide variant.
Coding change: c.451G>A on transcript NM_005343.4 (MANE Select); coding-DNA position 451, G replaced by A.
Protein change: p.Gly151Arg; replaces glycine 151 with arginine.
Molecular consequence: missense variant. On other transcripts: 3 prime UTR variant (1).
Genome position (GRCh38, 1-based): chr11:532,755, C>T on the plus strand (G>A on the coding strand, the complement: HRAS is on the minus strand). VCF-style: chr11-532755-C-T. GRCh37 (hg19) VCF-style: chr11-532755-C-T.
Other names: c.451G>A, p.Gly151Arg (NM_001130442.3); c.214G>A, p.Gly72Arg (NM_001318054.2); c.*20G>A (NM_176795.5); short protein forms G151R, G72R.
Identifiers: ClinVar variation 2093477 (VCV002093477.4), dbSNP rs2539784881, ClinGen allele CA378921267.